The following is an entry in ClinVar:

ClinVar aggregate classification (germline): Uncertain significance (1 of 4 stars; one submission).

Conditions:
Zellweger spectrum disorders (ZS). Also called: Zellweger Spectrum Disorder; Zellweger Spectrum; Zellweger syndrome; Zellweger Spectrum Disorder (ZSD). Identifiers: Orphanet 912, MedGen C0043459, MONDO:0019609.

Allele frequency attached by ClinVar (database versions not stated): gnomAD exomes below 0.00001; TOPMed below 0.00001.

Submission:

Labcorp Genetics (formerly Invitae), Labcorp
Classification: Uncertain significance for Zellweger spectrum disorders. Last evaluated: 2024-08-12. Review status: criteria provided, single submitter. Criteria: Invitae Variant Classification Sherloc (09022015). Collection method: clinical testing. Allele origin: germline.
Comment: This sequence change replaces methionine, which is neutral and non-polar, with valine, which is neutral and non-polar, at codon 477 of the PEX1 protein (p.Met477Val). This variant is present in population databases (no rsID available, gnomAD 0.0009%). This variant has not been reported in the literature in individuals affected with PEX1-related conditions. ClinVar contains an entry for this variant (Variation ID: 2147869). Advanced modeling of protein sequence and biophysical properties (such as structural, functional, and spatial information, amino acid conservation, physicochemical variation, residue mobility, and thermodynamic stability) performed at Invitae indicates that this missense variant is not expected to disrupt PEX1 protein function with a negative predictive value of 80%. In summary, the available evidence is currently insufficient to determine the role of this variant in disease. Therefore, it has been classified as a Variant of Uncertain Significance.

NM_000466.3(PEX1):c.1429A>G (p.Met477Val)

Gene: PEX1 (peroxisomal biogenesis factor 1; minus strand). Cytogenetic location: 7q21.2.
Variant type: single nucleotide variant.
Coding change: c.1429A>G on transcript NM_000466.3 (MANE Select); coding-DNA position 1429, A replaced by G.
Protein change: p.Met477Val; replaces methionine 477 with valine.
Molecular consequence: missense variant.
Genome position (GRCh38, 1-based): chr7:92,511,634, T>C on the plus strand (A>G on the coding strand, the complement: PEX1 is on the minus strand). VCF-style: chr7-92511634-T-C. GRCh37 (hg19) VCF-style: chr7-92140948-T-C.
Other names: c.1429A>G, p.Met477Val (NM_001282677.2); c.805A>G, p.Met269Val (NM_001282678.2); short protein forms M269V, M477V.
Identifiers: ClinVar variation 2147869 (VCV002147869.3), dbSNP rs1447457300, ClinGen allele CA368190945.